The following is an entry in ClinVar:

ClinVar aggregate classification (germline): Likely benign. Review status: criteria provided, multiple submitters, no conflicts (2 of 4 stars). 4 submissions from 4 submitters: Likely benign (4). Last evaluated 2024-10-29.

Conditions:
Cardiovascular phenotype. Identifiers: MedGen CN230736.
Brugada syndrome 5 (BRGDA5). Identifiers: Orphanet 130, Orphanet 871, MedGen C2748541, MONDO:0013015, OMIM 612838.

Allele frequency attached by ClinVar (database versions not stated): TOPMed 0.00001; ExAC 0.00002; gnomAD 0.00001; gnomAD exomes 0.00001.
gnomAD v4.1: 10 of 1,614,000 alleles (0.00062%); highest among the groups gnomAD compares: East Asian, 0.0022%; no homozygotes.

Submissions (4):

Labcorp Genetics (formerly Invitae), Labcorp
Classification: Likely benign for Brugada syndrome 5. Last evaluated: 2024-10-29. Review status: criteria provided, single submitter. Criteria: Invitae Variant Classification Sherloc (09022015). Collection method: clinical testing. Allele origin: germline.

Women's Health and Genetics/Laboratory Corporation of America, LabCorp
Classification: Likely benign. Last evaluated: 2024-07-02. Review status: criteria provided, single submitter. Criteria: LabCorp Variant Classification Summary - May 2015. Collection method: clinical testing. Allele origin: germline.

Ambry Genetics
Classification: Likely benign for Cardiovascular phenotype. Last evaluated: 2021-12-04. Review status: criteria provided, single submitter. Criteria: Ambry Variant Classification Scheme 2023. Collection method: clinical testing. Allele origin: germline.

GeneDx
Classification: Likely benign. Last evaluated: 2018-05-25. Review status: criteria provided, single submitter. Criteria: GeneDx Variant Classification (06012015). Collection method: clinical testing. Allele origin: germline. Affected: yes.
Comment: This variant is considered likely benign or benign based on one or more of the following criteria: it is a conservative change, it occurs at a poorly conserved position in the protein, it is predicted to be benign by multiple in silico algorithms, and/or has population frequency not consistent with disease.

NM_001037.5(SCN1B):c.141C>T (p.Ser47=)

Gene: SCN1B (sodium voltage-gated channel beta subunit 1; plus strand). Cytogenetic location: 19q13.11.
Variant type: single nucleotide variant.
Coding change: c.141C>T on transcript NM_001037.5 (MANE Select); coding-DNA position 141, C replaced by T.
Protein change: p.Ser47=; no amino-acid change (serine 47 retained).
Molecular consequence: synonymous variant.
Genome position (GRCh38, 1-based): chr19:35,032,628, C>T. VCF-style: chr19-35032628-C-T. GRCh37 (hg19) VCF-style: chr19-35523532-C-T.
Other names: c.42C>T, p.Ser14= (NM_001321605.2); c.141C>T, p.Ser47= (NM_199037.5).
Identifiers: ClinVar variation 669099 (VCV000669099.11), dbSNP rs769535020, ClinGen allele CA9371963.